The following is an entry in ClinVar:

NM_020733.2(HEG1):c.816C>T (p.Thr272=)

Gene: HEG1 (heart development protein with EGF like domains 1; minus strand). Cytogenetic location: 3q21.2.
Variant type: single nucleotide variant.
Coding change: c.816C>T on transcript NM_020733.2 (MANE Select); coding-DNA position 816, C replaced by T.
Protein change: p.Thr272=; no amino-acid change (threonine 272 retained).
Molecular consequence: synonymous variant.
Genome position (GRCh38, 1-based): chr3:125,027,302, G>A on the plus strand (C>T on the coding strand, the complement: HEG1 is on the minus strand). VCF-style: chr3-125027302-G-A. GRCh37 (hg19) VCF-style: chr3-124746146-G-A.
Identifiers: ClinVar variation 2654091 (VCV002654091.24), dbSNP rs61750908, ClinGen allele CA2584222.

ClinVar aggregate classification (germline): Likely benign (1 of 4 stars; one submission).

Allele frequency attached by ClinVar (database versions not stated): 1000 Genomes Project 0.00020; 1000 Genomes Project 30x 0.00078; TOPMed 0.00194; ExAC 0.00198; gnomAD 0.00212; ESP Exome Variant Server 0.00294; gnomAD exomes 0.00355.
gnomAD v4.1: 5,390 of 1,613,832 alleles (0.33%); highest among the groups gnomAD compares: Non-Finnish European, 0.44%; 21 homozygotes.

Submission:

CeGaT Center for Human Genetics Tuebingen
Classification: Likely benign. Last evaluated: 2022-08-01. Review status: criteria provided, single submitter. Criteria: CeGaT Center For Human Genetics Tuebingen Variant Classification Criteria Version 2. Collection method: clinical testing. Allele origin: germline. Affected: yes. Observed: 1 variant allele.
Comment: HEG1: BP4, BP7